The following is an entry in ClinVar:

ClinVar aggregate classification (germline): Uncertain significance (1 of 4 stars; one submission).

Conditions:
Primary ciliary dyskinesia 28. Also called: CILIARY DYSKINESIA, PRIMARY, 28, WITH OR WITHOUT SITUS INVERSUS. Identifiers: Orphanet 244, MedGen C3809706, MONDO:0014216, OMIM 615505.

Submission:

Labcorp Genetics (formerly Invitae), Labcorp
Classification: Uncertain significance for Primary ciliary dyskinesia 28. Last evaluated: 2022-07-26. Review status: criteria provided, single submitter. Criteria: Invitae Variant Classification Sherloc (09022015). Collection method: clinical testing. Allele origin: germline.
Comment: In summary, the available evidence is currently insufficient to determine the role of this variant in disease. Therefore, it has been classified as a Variant of Uncertain Significance. Algorithms developed to predict the effect of missense changes on protein structure and function are either unavailable or do not agree on the potential impact of this missense change (SIFT: "Deleterious"; PolyPhen-2: "Probably Damaging"; Align-GVGD: "Class C0"). This sequence change replaces threonine, which is neutral and polar, with isoleucine, which is neutral and non-polar, at codon 735 of the SPAG1 protein (p.Thr735Ile). This variant is not present in population databases (gnomAD no frequency). This variant has not been reported in the literature in individuals affected with SPAG1-related conditions. ClinVar contains an entry for this variant (Variation ID: 1010062).

NM_003114.5(SPAG1):c.2204C>T (p.Thr735Ile)

Gene: SPAG1 (sperm associated antigen 1; plus strand). Cytogenetic location: 8q22.2.
Variant type: single nucleotide variant.
Coding change: c.2204C>T on transcript NM_003114.5 (MANE Select); coding-DNA position 2204, C replaced by T.
Protein change: p.Thr735Ile; replaces threonine 735 with isoleucine.
Molecular consequence: missense variant.
Genome position (GRCh38, 1-based): chr8:100,239,328, C>T. VCF-style: chr8-100239328-C-T. GRCh37 (hg19) VCF-style: chr8-101251556-C-T.
Other names: c.2204C>T, p.Thr735Ile (NM_001374321.1, NM_172218.3); short protein forms T735I.
Identifiers: ClinVar variation 1010062 (VCV001010062.10), dbSNP rs1819149329, ClinGen allele CA371817154.